The following is an entry in ClinVar:

NM_024592.5(SRD5A3):c.633C>G (p.Ile211Met)

Genes: SRD5A3 (steroid 5 alpha-reductase 3; plus strand), SRD5A3-AS1 (SRD5A3 antisense RNA 1; minus strand). Cytogenetic location: 4q12.
Variant type: single nucleotide variant.
Coding change: c.633C>G on transcript NM_024592.5 (MANE Select); coding-DNA position 633, C replaced by G.
Protein change: p.Ile211Met; replaces isoleucine 211 with methionine.
Molecular consequence: missense variant.
Genome position (GRCh38, 1-based): chr4:55,367,658, C>G. VCF-style: chr4-55367658-C-G. GRCh37 (hg19) VCF-style: chr4-56233825-C-G.
Other names: short protein forms I211M.
Identifiers: ClinVar variation 1493747 (VCV001493747.4), dbSNP rs142711275, ClinGen allele CA2925348.

ClinVar aggregate classification (germline): Uncertain significance. Review status: criteria provided, multiple submitters, no conflicts (2 of 4 stars). 2 submissions from 2 submitters: Uncertain significance (2). Last evaluated 2024-05-21.

Conditions:
SRD5A3-congenital disorder of glycosylation. Also called: COLOBOMA, OCULAR, WITH ICHTHYOSIS, BRAIN MALFORMATIONS, AND ENDOCRINE ABNORMALITIES; Congenital disorder of glycosylation type 1Q; CDG Iq; Ocular colobomas, ichthyosis, brain malformations and endocrine abnormalities; SRD5A3-CDG. Identifiers: Orphanet 324737, MedGen C4317224, MONDO:0012885, OMIM 612379.

Allele frequency attached by ClinVar (database versions not stated): ExAC 0.00002; gnomAD exomes 0.00002; gnomAD 0.00007 and 0.00011; TOPMed 0.00008; ESP Exome Variant Server 0.00015.
gnomAD v4.1: 31 of 1,613,966 alleles (0.0019%); highest among the groups gnomAD compares: African/African-American, 0.037%; no homozygotes.

Submissions (2):

Blueprint Genetics
Classification: Uncertain significance. Last evaluated: 2024-05-21. Review status: criteria provided, single submitter. Criteria: ACMG Guidelines, 2015. Collection method: clinical testing. Allele origin: germline.

Labcorp Genetics (formerly Invitae), Labcorp
Classification: Uncertain significance for SRD5A3-congenital disorder of glycosylation. Last evaluated: 2021-08-20. Review status: criteria provided, single submitter. Criteria: Invitae Variant Classification Sherloc (09022015). Collection method: clinical testing. Allele origin: germline.
Comment: This sequence change replaces isoleucine with methionine at codon 211 of the SRD5A3 protein (p.Ile211Met). The isoleucine residue is weakly conserved and there is a small physicochemical difference between isoleucine and methionine. This variant is present in population databases (rs142711275, ExAC 0.02%). This variant has not been reported in the literature in individuals affected with SRD5A3-related conditions. Algorithms developed to predict the effect of missense changes on protein structure and function are either unavailable or do not agree on the potential impact of this missense change (SIFT: "Tolerated"; PolyPhen-2: "Possibly Damaging"; Align-GVGD: "Class C0"). In summary, the available evidence is currently insufficient to determine the role of this variant in disease. Therefore, it has been classified as a Variant of Uncertain Significance.